The following is an entry in ClinVar:

ClinVar aggregate classification (germline): Uncertain significance (1 of 4 stars; one submission).

Conditions:
Retinoblastoma (RB1). Also called: RETINOBLASTOMA, SOMATIC. Identifiers: Orphanet 790, MedGen C0035335, MeSH D012175, MONDO:0008380, OMIM 180200, HP:0009919. Disease mechanism: loss of function. Inheritance: Both sporadic and heritable forms are tested..

Allele frequency attached by ClinVar (database versions not stated): gnomAD 0.00001.
gnomAD v4.1: 1 of 1,611,228 alleles (0.000062%); highest among the groups gnomAD compares: East Asian, 0.0022%; no homozygotes.

Submission:

Labcorp Genetics (formerly Invitae), Labcorp
Classification: Uncertain significance for Retinoblastoma. Last evaluated: 2021-08-10. Review status: criteria provided, single submitter. Criteria: Invitae Variant Classification Sherloc (09022015). Collection method: clinical testing. Allele origin: germline.
Comment: This sequence change replaces glutamine with histidine at codon 770 of the RB1 protein (p.Gln770His). The glutamine residue is highly conserved and there is a small physicochemical difference between glutamine and histidine. This variant is not present in population databases (ExAC no frequency). This variant has not been reported in the literature in individuals affected with RB1-related conditions. Algorithms developed to predict the effect of missense changes on protein structure and function are either unavailable or do not agree on the potential impact of this missense change (SIFT: "Deleterious"; PolyPhen-2: "Probably Damaging"; Align-GVGD: "Class C15"). In summary, the available evidence is currently insufficient to determine the role of this variant in disease. Therefore, it has been classified as a Variant of Uncertain Significance.

NM_000321.3(RB1):c.2310G>C (p.Gln770His)

Gene: RB1 (RB transcriptional corepressor 1; plus strand). Cytogenetic location: 13q14.2.
Variant type: single nucleotide variant.
Coding change: c.2310G>C on transcript NM_000321.3 (MANE Select); coding-DNA position 2310, G replaced by C.
Protein change: p.Gln770His; replaces glutamine 770 with histidine.
Molecular consequence: missense variant.
Genome position (GRCh38, 1-based): chr13:48,465,096, G>C. VCF-style: chr13-48465096-G-C. GRCh37 (hg19) VCF-style: chr13-49039232-G-C.
Other names: short protein forms Q770H.
Identifiers: ClinVar variation 1367409 (VCV001367409.3), dbSNP rs777040395, ClinGen allele CA388167704.